The following is an entry in ClinVar:

NM_032444.4(SLX4):c.3676C>T (p.Arg1226Trp)

Gene: SLX4 (SLX4 structure-specific endonuclease subunit; minus strand). Cytogenetic location: 16p13.3.
Variant type: single nucleotide variant.
Coding change: c.3676C>T on transcript NM_032444.4 (MANE Select); coding-DNA position 3676, C replaced by T.
Protein change: p.Arg1226Trp; replaces arginine 1226 with tryptophan.
Molecular consequence: missense variant.
Genome position (GRCh38, 1-based): chr16:3,589,962, G>A on the plus strand (C>T on the coding strand, the complement: SLX4 is on the minus strand). VCF-style: chr16-3589962-G-A. GRCh37 (hg19) VCF-style: chr16-3639963-G-A.
Other names: c.3676C>T (LRG_503t1); short protein forms R1226W.
Identifiers: ClinVar variation 456313 (VCV000456313.21), dbSNP rs142008398, ClinGen allele CA7865871.

ClinVar aggregate classification (germline): Conflicting classifications of pathogenicity. Review status: criteria provided, conflicting classifications (1 of 4 stars). 7 submissions from 7 submitters: Uncertain significance (3); Benign (1); Likely benign (1). 2 of the submissions do not count toward it. Last evaluated 2026-01-28.

Conditions:
SLX4-related disorder. Also called: SLX4-related condition.
Fanconi anemia complementation group P. Also called: SLX4-Related Fanconi Anemia. Identifiers: Orphanet 84, MedGen C3469542, MONDO:0013499, OMIM 613951.
Fanconi anemia (FA). Also called: Fanconi's anemia. Identifiers: Orphanet 84, MedGen C0015625, MeSH D005199, MONDO:0019391.

Allele frequency attached by ClinVar (database versions not stated): gnomAD exomes 0.00033; ExAC 0.00038; gnomAD 0.00104 and 0.00114; TOPMed 0.00109; 1000 Genomes Project 30x 0.00125; 1000 Genomes Project 0.00140; ESP Exome Variant Server 0.00154.
gnomAD v4.1: 344 of 1,613,868 alleles (0.021%); highest among the groups gnomAD compares: African/African-American, 0.39%; no homozygotes.

Submissions (7):

Labcorp Genetics (formerly Invitae), Labcorp
Classification: Benign for Fanconi anemia. Last evaluated: 2026-01-28. Review status: criteria provided, single submitter. Criteria: Invitae Variant Classification Sherloc (09022015). Collection method: clinical testing. Allele origin: germline.

KCCC/NGS Laboratory, Kuwait Cancer Control Center
Classification: Likely benign for Fanconi anemia complementation group P. Last evaluated: 2023-07-07. Review status: criteria provided, single submitter. Criteria: ACMG Guidelines, 2015. Collection method: clinical testing. Allele origin: germline. Affected: yes.

Sema4
Classification: Uncertain significance for Fanconi anemia. Last evaluated: 2021-10-18. Review status: criteria provided, single submitter. Criteria: Sema4 Curation Guidelines. Collection method: curation. Allele origin: germline.
Comment: The SLX4 c.3676C>T (p.R1226W) variant has been reported in at least two individuals with breast cancer (PMID: 23840564). It was observed in 95/24758 chromosomes of the African/African American subpopulation in the large and broad cohorts of the Genome Aggregation Database (PMID: 32461654). The variant has been reported in ClinVar (Variation ID 456313). In silico tools suggest the impact of the variant on protein function is benign though these predictions have not been confirmed by functional studies. The evidence is insufficient to meet ACMG/AMP criteria for classifying the variant as benign or pathogenic. Thus, the clinical significance of this variant is currently uncertain.

GeneDx
Classification: Uncertain significance. Last evaluated: 2021-05-25. Review status: criteria provided, single submitter. Criteria: GeneDx Variant Classification Process June 2021. Collection method: clinical testing. Allele origin: germline. Affected: yes.
Comment: Has not been previously published as pathogenic or benign to our knowledge; In silico analysis supports that this missense variant does not alter protein structure/function

Baylor Genetics
Classification: Uncertain significance for Fanconi anemia complementation group P. Last evaluated: 2019-11-13. Review status: criteria provided, single submitter. Criteria: ACMG Guidelines, 2015. Collection method: clinical testing. Allele origin: unknown. Affected: yes. Study: CSER-TexasKidsCanSeq.
Comment: This variant was determined to be of uncertain significance according to ACMG Guidelines, 2015 [PMID:25741868].

Genetic Services Laboratory, University of Chicago
Classification: Uncertain significance. Last evaluated: 2022-09-08. Review status: no assertion criteria provided. Collection method: clinical testing. Allele origin: germline. Affected: no. Not counted in ClinVar's aggregate classification.
Comment: DNA sequence analysis of the SLX4 gene demonstrated a sequence change, c.3676C>T, in exon 12 that results in an amino acid change, p.Arg1226Trp. This sequence change has been previously described in familial breast cancer cases (PMID: 23840564). This sequence change has been described in the gnomAD database with a frequency of 0.4% in the African/African American subpopulation (dbSNP rs142008398). The p.Arg1226Trp change affects a poorly conserved amino acid residue located in a domain of the SLX4 protein that is not known to be functional. In-silico pathogenicity prediction tools (SIFT, PolyPhen2, Align GVGD, REVEL) provide contradictory results for the p.Arg1226Trp substitution. Due to insufficient evidences and the lack of functional studies, the clinical significance of the p.Arg1226Trp change remains unknown at this time.

PreventionGenetics, part of Exact Sciences
Classification: Likely benign for SLX4-related condition. Last evaluated: 2022-02-18. Review status: no assertion criteria provided. Collection method: clinical testing. Allele origin: germline. Not counted in ClinVar's aggregate classification.
Comment: This variant is classified as likely benign based on ACMG/AMP sequence variant interpretation guidelines (Richards et al. 2015 PMID: 25741868, with internal and published modifications).

Literature cited by the submitters: PubMed 23840564 (cited by Sema4).